The following is an entry in ClinVar:

ClinVar aggregate classification (germline): Uncertain significance (1 of 4 stars; one submission).

Submission:

Labcorp Genetics (formerly Invitae), Labcorp
Classification: Uncertain significance. Last evaluated: 2024-04-29. Review status: criteria provided, single submitter. Criteria: Invitae Variant Classification Sherloc (09022015). Collection method: clinical testing. Allele origin: germline.
Comment: This sequence change replaces leucine, which is neutral and non-polar, with proline, which is neutral and non-polar, at codon 17 of the WNT3A protein (p.Leu17Pro). This variant is not present in population databases (gnomAD no frequency). This variant has not been reported in the literature in individuals affected with WNT3A-related conditions. ClinVar contains an entry for this variant (Variation ID: 1978063). An algorithm developed to predict the effect of missense changes on protein structure and function (PolyPhen-2) suggests that this variant is likely to be tolerated. In summary, the available evidence is currently insufficient to determine the role of this variant in disease. Therefore, it has been classified as a Variant of Uncertain Significance.

NM_033131.4(WNT3A):c.50T>C (p.Leu17Pro)

Gene: WNT3A (Wnt family member 3A; plus strand). Cytogenetic location: 1q42.13.
Variant type: single nucleotide variant.
Coding change: c.50T>C on transcript NM_033131.4 (MANE Select); coding-DNA position 50, T replaced by C.
Protein change: p.Leu17Pro; replaces leucine 17 with proline.
Molecular consequence: missense variant.
Genome position (GRCh38, 1-based): chr1:228,007,178, T>C. VCF-style: chr1-228007178-T-C. GRCh37 (hg19) VCF-style: chr1-228194879-T-C.
Other names: short protein forms L17P.
Identifiers: ClinVar variation 1978063 (VCV001978063.5), dbSNP rs2528130768, ClinGen allele CA345333538.